The following is an entry in ClinVar:

ClinVar aggregate classification (germline): Pathogenic/Likely pathogenic. Review status: criteria provided, multiple submitters, no conflicts (2 of 4 stars). 3 submissions from 3 submitters: Pathogenic (2); Likely pathogenic (1). Last evaluated 2023-05-22.

Conditions:
Familial cancer of breast. Also called: BREAST CANCER, FAMILIAL; Hereditary breast cancer; hereditary breast carcinoma. Identifiers: Orphanet 227535, MedGen C0346153, MONDO:0016419, OMIM 114480. Disease mechanism: loss of function.
Hereditary cancer-predisposing syndrome. Also called: Neoplastic Syndromes, Hereditary; Tumor predisposition; Hereditary Cancer Syndrome; Hereditary neoplastic syndrome. Identifiers: Orphanet 140162, MedGen C0027672, MeSH D009386, MONDO:0015356.

Submissions (3):

Myriad Genetics, Inc.
Classification: Pathogenic for Familial cancer of breast. Last evaluated: 2023-05-22. Review status: criteria provided, single submitter. Criteria: Myriad Autosomal Dominant, Autosomal Recessive and X-Linked Classification Criteria (2023). Collection method: clinical testing. Allele origin: unknown.
Comment: This variant is considered pathogenic. This variant creates a frameshift predicted to result in premature protein truncation.

GeneDx
Classification: Likely pathogenic. Last evaluated: 2022-07-25. Review status: criteria provided, single submitter. Criteria: GeneDx Variant Classification Process June 2021. Collection method: clinical testing. Allele origin: germline. Affected: yes.
Comment: Frameshift variant predicted to result in protein truncation or nonsense mediated decay in a gene for which loss of function is a known mechanism of disease; Not observed at significant frequency in large population cohorts (gnomAD); Has not been previously published as pathogenic or benign to our knowledge

Ambry Genetics
Classification: Pathogenic for Hereditary cancer-predisposing syndrome. Last evaluated: 2014-11-10. Review status: criteria provided, single submitter. Criteria: Ambry Variant Classification Scheme 2023. Collection method: clinical testing. Allele origin: germline.
Comment: The c.1264_1267delGTGAinsATG pathogenic mutation, located in coding exon 4 of the BARD1 gene, results from the deletion of 4 nucleotides and insertion of 3 nucleotides causing a translational frameshift with a predicted alternate stop codon. Since frameshifts are typically deleterious in nature, this alteration is interpreted as a disease-causing mutation (ACMG Recommendations for Standards for Interpretation and Reporting of Sequence Variations. Revision 2007. Genet Med. 2008;10:294).

NM_000465.4(BARD1):c.1264_1267delinsATG (p.Val422fs)

Gene: BARD1 (BRCA1 associated RING domain 1; minus strand). Cytogenetic location: 2q35.
Variant type: Indel.
Coding change: c.1264_1267delinsATG on transcript NM_000465.4 (MANE Select); coding-DNA positions 1264 to 1267, GTGA replaced by ATG.
Protein change: p.Val422fs; shifts the reading frame from valine 422.
Molecular consequence: frameshift variant. On other transcripts: non-coding transcript variant (2), intron variant (3).
Genome position (GRCh38, 1-based): chr2:214,780,607-214,780,610, TCAC replaced by CAT on the plus strand (GTGA replaced by ATG on the coding strand, the reverse complement: BARD1 is on the minus strand). VCF-style: chr2-214780607-TCAC-CAT. GRCh37 (hg19) VCF-style: chr2-215645331-TCAC-CAT.
Other names: c.1207_1210delinsATG, p.Val403fs (NM_001282543.2); c.159-28055_159-28052delinsATG (NM_001282548.2); c.215+16451_215+16454delinsATG (NM_001282545.2); c.364+11687_364+11690delinsATG (NM_001282549.2); c.1264_1267delGTGAinsATG (NM_000465.2); c.1264_1267delinsATG (NM_000465.2); short protein forms V422fs, V403fs.
Identifiers: ClinVar variation 187182 (VCV000187182.24), dbSNP rs786203533, ClinGen allele CA196949.